The following is an entry in ClinVar:

NM_000128.4(F11):c.1465del (p.Thr489fs)

Gene: F11 (coagulation factor XI; plus strand). Cytogenetic location: 4q35.2.
Variant type: Deletion.
Coding change: c.1465del on transcript NM_000128.4 (MANE Select); coding-DNA position 1465, one base deleted (A; older notation c.1465delA).
Protein change: p.Thr489fs; shifts the reading frame from threonine 489.
Molecular consequence: frameshift variant.
Genome position (GRCh38, 1-based): chr4:186,285,798, A deleted. VCF-style (leftmost placement, unchanged base first): chr4-186285797-CA-C. GRCh37 (hg19) VCF-style: chr4-187206951-CA-C.
Other names: short protein forms T489fs.
Identifiers: ClinVar variation 1069881 (VCV001069881.7), dbSNP rs1561490982, ClinGen allele CA917387602.

ClinVar aggregate classification (germline): Pathogenic (1 of 4 stars; one submission).

Allele frequency attached by ClinVar (database versions not stated): gnomAD exomes below 0.00001 and 0.00001.

Submission:

Labcorp Genetics (formerly Invitae), Labcorp
Classification: Pathogenic. Last evaluated: 2017-11-09. Review status: criteria provided, single submitter. Criteria: Invitae Variant Classification Sherloc (09022015). Collection method: clinical testing. Allele origin: germline.
Comment: For these reasons, this variant has been classified as Pathogenic. Loss-of-function variants in F11 are known to be pathogenic (PMID: 15728123, 23929304, 25074526). This variant has not been reported in the literature in individuals with F11-related disease. This variant is not present in population databases (ExAC no frequency). This sequence change creates a premature translational stop signal (p.Thr489Glnfs*2) in the F11 gene. It is expected to result in an absent or disrupted protein product.

Literature cited by the submitters: PubMed 15728123; PubMed 23929304; PubMed 25074526.